The following is an entry in ClinVar:

ClinVar aggregate classification (germline): Uncertain significance (0 of 4 stars; one submission).

Conditions:
ZBTB20-related disorder. Also called: ZBTB20-related condition.

gnomAD v4.1: 2 of 1,614,022 alleles (0.00012%); highest among the groups gnomAD compares: East Asian, 0.0045%; no homozygotes.

Submission:

PreventionGenetics, part of Exact Sciences
Classification: Uncertain significance for ZBTB20-related condition. Last evaluated: 2024-01-12. Review status: no assertion criteria provided. Collection method: clinical testing. Allele origin: germline.
Comment: The ZBTB20 c.373G>T variant is predicted to result in the amino acid substitution p.Gly125Cys. To our knowledge, this variant has not been reported in the literature. This variant is reported in 0.011% of alleles in individuals of East Asian descent in gnomAD. At this time, the clinical significance of this variant is uncertain due to the absence of conclusive functional and genetic evidence.

NM_001348800.3(ZBTB20):c.373G>T (p.Gly125Cys)

Gene: ZBTB20 (zinc finger and BTB domain containing 20; minus strand). Cytogenetic location: 3q13.31.
Variant type: single nucleotide variant.
Coding change: c.373G>T on transcript NM_001348800.3 (MANE Select); coding-DNA position 373, G replaced by T.
Protein change: p.Gly125Cys; replaces glycine 125 with cysteine.
Molecular consequence: missense variant.
Genome position (GRCh38, 1-based): chr3:114,351,705, C>A on the plus strand (G>T on the coding strand, the complement: ZBTB20 is on the minus strand). VCF-style: chr3-114351705-C-A. GRCh37 (hg19) VCF-style: chr3-114070552-C-A.
Other names: c.373G>T, p.Gly125Cys (NM_001164342.2, NM_001348803.3, NM_001393393.1 and 1 more transcripts); c.154G>T, p.Gly52Cys (NM_001164343.2, NM_001164344.4, NM_001164345.4 and 9 more transcripts); short protein forms G125C, G52C.
Identifiers: ClinVar variation 3055819 (VCV003055819.2), dbSNP rs775548925, ClinGen allele CA354017162.